The following is an entry in ClinVar:

ClinVar aggregate classification (germline): Conflicting classifications of pathogenicity. Review status: criteria provided, conflicting classifications (1 of 4 stars). 2 submissions from 2 submitters: Uncertain significance (1); Likely benign (1). Last evaluated 2025-04-04.

Conditions:
Hereditary cancer-predisposing syndrome. Also called: Neoplastic Syndromes, Hereditary; Hereditary Cancer Syndrome; Hereditary neoplastic syndrome; Tumor predisposition. Identifiers: Orphanet 140162, MedGen C0027672, MeSH D009386, MONDO:0015356.

Allele frequency attached by ClinVar (database versions not stated): gnomAD exomes below 0.00001; ExAC 0.00001.
gnomAD v4.1: 2 of 1,613,924 alleles (0.00012%); highest among the groups gnomAD compares: African/African-American, 0.0027%; no homozygotes.

Submissions (2):

Ambry Genetics
Classification: Likely benign for Hereditary cancer-predisposing syndrome. Last evaluated: 2025-04-04. Review status: criteria provided, single submitter. Criteria: Ambry Variant Classification Scheme 2023. Collection method: clinical testing. Allele origin: germline.

Labcorp Genetics (formerly Invitae), Labcorp
Classification: Uncertain significance. Last evaluated: 2024-01-18. Review status: criteria provided, single submitter. Criteria: Invitae Variant Classification Sherloc (09022015). Collection method: clinical testing. Allele origin: germline.
Comment: This sequence change replaces aspartic acid, which is acidic and polar, with glutamic acid, which is acidic and polar, at codon 1203 of the POLE protein (p.Asp1203Glu). This variant is present in population databases (rs768023673, gnomAD 0.007%). This variant has not been reported in the literature in individuals affected with POLE-related conditions. ClinVar contains an entry for this variant (Variation ID: 1058240). Advanced modeling of protein sequence and biophysical properties (such as structural, functional, and spatial information, amino acid conservation, physicochemical variation, residue mobility, and thermodynamic stability) performed at Invitae indicates that this missense variant is not expected to disrupt POLE protein function with a negative predictive value of 80%. In summary, the available evidence is currently insufficient to determine the role of this variant in disease. Therefore, it has been classified as a Variant of Uncertain Significance.

NM_006231.4(POLE):c.3609C>A (p.Asp1203Glu)

Gene: POLE (DNA polymerase epsilon, catalytic subunit; minus strand). Cytogenetic location: 12q24.33.
Variant type: single nucleotide variant.
Coding change: c.3609C>A on transcript NM_006231.4 (MANE Select); coding-DNA position 3609, C replaced by A.
Protein change: p.Asp1203Glu; replaces aspartic acid 1203 with glutamic acid.
Molecular consequence: missense variant.
Genome position (GRCh38, 1-based): chr12:132,649,863, G>T on the plus strand (C>A on the coding strand, the complement: POLE is on the minus strand). VCF-style: chr12-132649863-G-T. GRCh37 (hg19) VCF-style: chr12-133226449-G-T.
Other names: short protein forms D1203E.
Identifiers: ClinVar variation 1058240 (VCV001058240.12), dbSNP rs768023673, ClinGen allele CA6893159.
Genomic context (GRCh38, chr12:132,649,863, plus strand): 5'-TGGGTGAGGCAGCTTTACGAGGCCGAAGTCCTCCATGTCAGGAGCACTTGGCCTCGGACT[G>T]TCTTCTGAGGCCTCGGCCATCGTGACCTGGAAAGACCCAGTGAAGCCTTAAATCTCAGGA-3'
Protein context (NP_006222.2, residues 1193-1213): RQVTMAEASE[Asp1203Glu]SPRPSAPDME